The following is an entry in ClinVar:

NM_006389.5(HYOU1):c.2471C>A (p.Ala824Asp)

Gene: HYOU1 (hypoxia up-regulated 1; minus strand). Cytogenetic location: 11q23.3.
Variant type: single nucleotide variant.
Coding change: c.2471C>A on transcript NM_006389.5 (MANE Select); coding-DNA position 2471, C replaced by A.
Protein change: p.Ala824Asp; replaces alanine 824 with aspartic acid.
Molecular consequence: missense variant.
Genome position (GRCh38, 1-based): chr11:119,047,986, G>T on the plus strand (C>A on the coding strand, the complement: HYOU1 is on the minus strand). VCF-style: chr11-119047986-G-T. GRCh37 (hg19) VCF-style: chr11-118918698-G-T.
Other names: c.2471C>A, p.Ala824Asp (NM_001130991.3, NM_001411041.1); short protein forms A824D.
Identifiers: ClinVar variation 3645692 (VCV003645692.2).
Genomic context (GRCh38, chr11:119,047,986, plus strand): 5'-AAGGGTTCAGGGGCTGCTCACTTGAGGAACATGCTGGAATGGTTGAGGAGATTATCGAGG[G>T]CAGACAGCCGTTCGGGCCACTTCTTGCGCTCCTCTACCCGAAAAAACAGCCCTTGGCACA-3'
Protein context (NP_006380.1, residues 814-834): ERKKWPERLS[Ala824Asp]LDNLLNHSSM

ClinVar aggregate classification (germline): Uncertain significance (1 of 4 stars; one submission).

gnomAD v4.1: 3 of 1,614,188 alleles (0.00019%); highest among the groups gnomAD compares: Admixed American, 0.0017%; no homozygotes.

Submission:

Labcorp Genetics (formerly Invitae), Labcorp
Classification: Uncertain significance. Last evaluated: 2024-04-08. Review status: criteria provided, single submitter. Criteria: Invitae Variant Classification Sherloc (09022015). Collection method: clinical testing. Allele origin: germline.
Comment: This sequence change replaces alanine, which is neutral and non-polar, with aspartic acid, which is acidic and polar, at codon 824 of the HYOU1 protein (p.Ala824Asp). This variant is not present in population databases (gnomAD no frequency). This variant has not been reported in the literature in individuals affected with HYOU1-related conditions. Experimental studies and prediction algorithms are not available or were not evaluated, and the functional significance of this variant is currently unknown. In summary, the available evidence is currently insufficient to determine the role of this variant in disease. Therefore, it has been classified as a Variant of Uncertain Significance.